The following is an entry in ClinVar:

NM_014159.7(SETD2):c.3391T>G (p.Phe1131Val)

Gene: SETD2 (SET domain containing 2, histone lysine methyltransferase; minus strand). Cytogenetic location: 3p21.31.
Variant type: single nucleotide variant.
Coding change: c.3391T>G on transcript NM_014159.7 (MANE Select); coding-DNA position 3391, T replaced by G.
Protein change: p.Phe1131Val; replaces phenylalanine 1131 with valine.
Molecular consequence: missense variant. On other transcripts: non-coding transcript variant (1).
Genome position (GRCh38, 1-based): chr3:47,121,245, A>C on the plus strand (T>G on the coding strand, the complement: SETD2 is on the minus strand). VCF-style: chr3-47121245-A-C. GRCh37 (hg19) VCF-style: chr3-47162735-A-C.
Other names: c.3259T>G, p.Phe1087Val (NM_001349370.3); short protein forms F1087V, F1131V.
Identifiers: ClinVar variation 4527566 (VCV004527566.1).

ClinVar aggregate classification (germline): Uncertain significance (1 of 4 stars; one submission).

gnomAD v4.1: 1 of 1,614,096 alleles (0.000062%); highest among the groups gnomAD compares: Non-Finnish European, 0.000085%; no homozygotes.

Submission:

GeneDx
Classification: Uncertain significance. Last evaluated: 2025-04-23. Review status: criteria provided, single submitter. Criteria: GeneDx Variant Classification Process June 2021. Collection method: clinical testing. Allele origin: germline. Affected: yes.
Comment: Not observed at significant frequency in large population cohorts (gnomAD); In silico analysis supports that this missense variant has a deleterious effect on protein structure/function; Has not been previously published as pathogenic or benign to our knowledge